The following is an entry in ClinVar:

ClinVar aggregate classification (germline): Uncertain significance (1 of 4 stars; one submission).

Conditions:
PRKDC-related disorder. Also called: PRKDC-related condition.

Submission:

PreventionGenetics, part of Exact Sciences
Classification: Uncertain significance for PRKDC-related condition. Last evaluated: 2022-12-20. Review status: criteria provided, single submitter. Criteria: ACMG Guidelines, 2015. Collection method: clinical testing. Allele origin: germline.
Comment: The PRKDC c.9407C>G variant is predicted to result in the amino acid substitution p.Thr3136Arg. To our knowledge, this variant has not been reported in the literature or in a large population database, indicating this variant is rare. At this time, the clinical significance of this variant is uncertain due to the absence of conclusive functional and genetic evidence.

NM_006904.7(PRKDC):c.9407C>G (p.Thr3136Arg)

Gene: PRKDC (protein kinase, DNA-activated, catalytic subunit; minus strand). Cytogenetic location: 8q11.21.
Variant type: single nucleotide variant.
Coding change: c.9407C>G on transcript NM_006904.7 (MANE Select); coding-DNA position 9407, C replaced by G.
Protein change: p.Thr3136Arg; replaces threonine 3136 with arginine.
Molecular consequence: missense variant.
Genome position (GRCh38, 1-based): chr8:47,819,440, G>C on the plus strand (C>G on the coding strand, the complement: PRKDC is on the minus strand). VCF-style: chr8-47819440-G-C. GRCh37 (hg19) VCF-style: chr8-48732001-G-C.
Other names: c.9407C>G, p.Thr3136Arg (NM_001081640.2); short protein forms T3136R.
Identifiers: ClinVar variation 2629986 (VCV002629986.1), dbSNP rs2551865138, ClinGen allele CA371138077.
Genomic context (GRCh38, chr8:47,819,440, plus strand): 5'-AAAGACCGATGAAAAAAATTACCTTGTTTGCTTATAAAGCTGATGAACTCCTGAATTTCT[G>C]TTAAAGCCTGTACAGACTGCAATTTGGTGAGTCTACTTTGGTGTAAGAGGACATCAATAC-3'
Protein context (NP_008835.5, residues 3126-3146): LTKLQSVQAL[Thr3136Arg]EIQEFISFIS